The following is an entry in ClinVar:

Conditions:
Breast-ovarian cancer, familial, susceptibility to, 1 (BROVCA1). Also called: BRCA1 Hereditary Breast and Ovarian Cancer; OVARIAN CANCER, SUSCEPTIBILITY TO. Identifiers: Orphanet 145, MedGen C2676676, MONDO:0011450, OMIM 604370. Disease mechanism: loss of function.

Submission:

Brotman Baty Institute, University of Washington
No classification provided (evidence only). Condition: Breast-ovarian cancer, familial 1. Review status: no classification provided. Collection method: in vitro. Allele origin: not applicable. Functional consequence: functionally_abnormal.
ClinVar note: "not provided" was previously submitted as the classification for the variant. However, the classification appeared to be based only on an observation of functional data so it was converted to no classification on 2025-07-30.

NM_007294.4(BRCA1):c.5257A>T (p.Arg1753Ter)

Gene: BRCA1 (BRCA1 DNA repair associated; minus strand). Cytogenetic location: 17q21.31.
Variant type: single nucleotide variant.
Coding change: c.5257A>T on transcript NM_007294.4 (MANE Select); coding-DNA position 5257, A replaced by T.
Protein change: p.Arg1753Ter; replaces arginine 1753 with a stop codon.
Molecular consequence: nonsense. On other transcripts: non-coding transcript variant (1).
Genome position (GRCh38, 1-based): chr17:43,057,072, T>A on the plus strand (A>T on the coding strand, the complement: BRCA1 is on the minus strand). VCF-style: chr17-43057072-T-A. GRCh37 (hg19) VCF-style: chr17-41209089-T-A.
Other names: c.5113A>T, p.Arg1705Ter (NM_001407743.1, NM_001407744.1, NM_001407745.1 and 21 more transcripts); c.5110A>T, p.Arg1704Ter (NM_001407848.1, NM_001407849.1, NM_001407850.1 and 12 more transcripts); c.5257A>T, p.Arg1753Ter (NM_001407854.1, NM_001407593.1, NM_001407594.1 and 7 more transcripts); c.5254A>T, p.Arg1752Ter (NM_001407858.1, NM_001407859.1, NM_001407860.1 and 17 more transcripts); c.5047A>T, p.Arg1683Ter (NM_001407885.1, NM_001407886.1, NM_001407887.1 and 5 more transcripts); c.5044A>T, p.Arg1682Ter (NM_001407894.1, NM_001407895.1, NM_001407896.1 and 12 more transcripts); c.5041A>T, p.Arg1681Ter (NM_001407916.1, NM_001407917.1, NM_001407918.1 and 1 more transcripts); c.5134A>T, p.Arg1712Ter (NM_001407919.1, NM_001407937.1, NM_001407938.1 and 6 more transcripts); and 72 more; short protein forms R1706*, R1753*, R1774*, R649*, R1457*, R1599*, R1663*, R1664*.
Identifiers: ClinVar variation 865209 (VCV000865209.3), dbSNP rs1597810544, ClinGen allele CA10591039.